The following is an entry in ClinVar:

NM_017849.4(TMEM127):c.542C>T (p.Ala181Val)

Gene: TMEM127 (transmembrane protein 127; minus strand). Cytogenetic location: 2q11.2.
Variant type: single nucleotide variant.
Coding change: c.542C>T on transcript NM_017849.4 (MANE Select); coding-DNA position 542, C replaced by T.
Protein change: p.Ala181Val; replaces alanine 181 with valine.
Molecular consequence: missense variant.
Genome position (GRCh38, 1-based): chr2:96,253,983, G>A on the plus strand (C>T on the coding strand, the complement: TMEM127 is on the minus strand). VCF-style: chr2-96253983-G-A. GRCh37 (hg19) VCF-style: chr2-96919721-G-A.
Other names: c.542C>T, p.Ala181Val (NM_001193304.3); c.290C>T, p.Ala97Val (NM_001407282.1, NM_001407283.1); short protein forms A181V, A97V.
Identifiers: ClinVar variation 5030902 (VCV005030902.1).
Genomic context (GRCh38, chr2:96,253,983, plus strand): 5'-GTGGGGTAGTGGCGCAGGAGGTTGGCTGCCGTGGCCAGGATTGAGGCTCCACCAGCTCCT[G>A]CCACCAGGTAGAAGCTAACGGCGAAGGTGACATAGACCTGGGATCCATGGTACTTCTTAT-3'
Protein context (NP_060319.1, residues 171-191): VTFAVSFYLV[Ala181Val]GAGGASILAT

ClinVar aggregate classification (germline): Uncertain significance (1 of 4 stars; one submission).

Conditions:
Hereditary cancer-predisposing syndrome. Also called: Neoplastic Syndromes, Hereditary; Tumor predisposition; Hereditary neoplastic syndrome; Hereditary Cancer Syndrome. Identifiers: Orphanet 140162, MedGen C0027672, MeSH D009386, MONDO:0015356.

Submission:

Ambry Genetics
Classification: Uncertain significance for Hereditary cancer-predisposing syndrome. Last evaluated: 2026-07-06. Review status: criteria provided, single submitter. Criteria: Ambry Variant Classification Scheme 2023. Collection method: clinical testing. Allele origin: germline.
Comment: The p.A181V variant (also known as c.542C>T), located in coding exon 3 of the TMEM127 gene, results from a C to T substitution at nucleotide position 542. The alanine at codon 181 is replaced by valine, an amino acid with similar properties. This amino acid position is conserved. In addition, this alteration is predicted to be deleterious by in silico analysis. Based on the available evidence, the clinical significance of this variant remains unclear.